The following is an entry in ClinVar:

ClinVar aggregate classification (germline): Likely benign. Review status: criteria provided, multiple submitters, no conflicts (2 of 4 stars). 3 submissions from 3 submitters: Likely benign (3). Last evaluated 2025-06-07.

Allele frequency attached by ClinVar (database versions not stated): ExAC 0.00004; TOPMed 0.00005; gnomAD exomes 0.00007; ESP Exome Variant Server 0.00008; gnomAD 0.00011.
gnomAD v4.1: 114 of 1,613,910 alleles (0.0071%); highest among the groups gnomAD compares: Non-Finnish European, 0.0092%; no homozygotes.

Submissions (3):

Labcorp Genetics (formerly Invitae), Labcorp
Classification: Likely benign. Last evaluated: 2025-06-07. Review status: criteria provided, single submitter. Criteria: Invitae Variant Classification Sherloc (09022015). Collection method: clinical testing. Allele origin: germline.

Blueprint Genetics
Classification: Likely benign. Last evaluated: 2024-11-22. Review status: criteria provided, single submitter. Criteria: ACMG Guidelines, 2015. Collection method: clinical testing. Allele origin: germline.

CeGaT Center for Human Genetics Tuebingen
Classification: Likely benign. Last evaluated: 2022-07-01. Review status: criteria provided, single submitter. Criteria: CeGaT Center For Human Genetics Tuebingen Variant Classification Criteria Version 2. Collection method: clinical testing. Allele origin: germline. Affected: yes. Observed: 1 variant allele.
Comment: PITRM1: BP4, BP7

NM_014889.4(PITRM1):c.2202G>A (p.Gly734=)

Genes: PITRM1 (pitrilysin metallopeptidase 1; minus strand), PITRM1-AS1 (PITRM1 antisense RNA 1; plus strand). Cytogenetic location: 10p15.2.
Variant type: single nucleotide variant.
Coding change: c.2202G>A on transcript NM_014889.4 (MANE Select); coding-DNA position 2202, G replaced by A.
Protein change: p.Gly734=; no amino-acid change (glycine 734 retained).
Molecular consequence: synonymous variant. On other transcripts: non-coding transcript variant (5).
Genome position (GRCh38, 1-based): chr10:3,147,605, C>T on the plus strand (G>A on the coding strand, the complement: PITRM1 is on the minus strand). VCF-style: chr10-3147605-C-T. GRCh37 (hg19) VCF-style: chr10-3189797-C-T.
Other names: c.2205G>A, p.Gly735= (NM_001242307.2); c.1908G>A, p.Gly636= (NM_001242309.1); c.2004G>A, p.Gly668= (NM_001347725.2); c.1389G>A, p.Gly463= (NM_001347726.2); c.1587G>A, p.Gly529= (NM_001347727.2); c.897G>A, p.Gly299= (NM_001347728.2); c.2178G>A, p.Gly726= (NM_001347729.1); c.1980G>A, p.Gly660= (NM_001347730.1).
Identifiers: ClinVar variation 1592375 (VCV001592375.33), dbSNP rs375154884, ClinGen allele CA5387501.